The following is an entry in ClinVar:

NM_001330260.2(SCN8A):c.3820-132G>T

Gene: SCN8A (sodium voltage-gated channel alpha subunit 8; plus strand). Cytogenetic location: 12q13.13.
Variant type: single nucleotide variant.
Coding change: c.3820-132G>T on transcript NM_001330260.2 (MANE Select); 132 bases into the intron before coding-DNA position 3820, G replaced by T.
Molecular consequence: intron variant.
Genome position (GRCh38, 1-based): chr12:51,780,517, G>T. VCF-style: chr12-51780517-G-T. GRCh37 (hg19) VCF-style: chr12-52174301-G-T.
Other names: c.3820-132G>T (NM_014191.4); c.3820-6025G>T (NM_001177984.3, NM_001369788.1).
Identifiers: ClinVar variation 670526 (VCV000670526.1), dbSNP rs2304698, ClinGen allele CA15757690.

ClinVar aggregate classification (germline): Benign (1 of 4 stars; one submission).

Allele frequency attached by ClinVar (database versions not stated): gnomAD exomes 0.10145; TOPMed 0.15330; gnomAD 0.15474 and 0.16164; 1000 Genomes Project 30x 0.22174; 1000 Genomes Project 0.22564.
gnomAD v4.1: 70,386 of 613,574 alleles (11%); highest among the groups gnomAD compares: East Asian, 40%; 6,400 homozygotes.

Submission:

GeneDx
Classification: Benign. Last evaluated: 2018-06-19. Review status: criteria provided, single submitter. Criteria: GeneDx Variant Classification (06012015). Collection method: clinical testing. Allele origin: germline. Affected: yes.
Comment: This variant is considered likely benign or benign based on one or more of the following criteria: it is a conservative change, it occurs at a poorly conserved position in the protein, it is predicted to be benign by multiple in silico algorithms, and/or has population frequency not consistent with disease.